The following is an entry in ClinVar:

ClinVar aggregate classification (germline): Uncertain significance (1 of 4 stars; one submission).

Conditions:
NRP2-related disorder. Also called: NRP2-related condition.

Submission:

PreventionGenetics, part of Exact Sciences
Classification: Uncertain significance for NRP2-related condition. Last evaluated: 2025-08-11. Review status: criteria provided, single submitter. Criteria: ACMG Guidelines, 2015. Collection method: clinical testing. Allele origin: germline.
Comment: The NRP2 c.2482_2484dupGTG variant is predicted to result in an in-frame duplication (p.Val828dup). To our knowledge, this variant has not been reported in the literature or in a large population database (gnomAD), indicating this variant is rare. At this time, the clinical significance of this variant is uncertain due to the absence of conclusive functional and genetic evidence.

NM_003872.3(NRP2):c.2425+9484_2425+9486dup

Gene: NRP2 (neuropilin 2; plus strand). Cytogenetic location: 2q33.3.
Variant type: Duplication.
Coding change: c.2425+9484_2425+9486dup on transcript NM_003872.3 (MANE Select); bases 9484 to 9486 of the intron after coding-DNA position 2425, 3 bases duplicated (GTG; older notation c.2425+9484_2425+9486dupGTG).
Molecular consequence: intron variant. On other transcripts: inframe insertion (2).
Genome position (GRCh38, 1-based): chr2:205,776,287-205,776,289, GTG duplicated; duplicating any 3 consecutive bases within chr2:205,776,286-205,776,289 gives the same sequence; the c. name uses the placement nearest the transcript's 3' end. VCF-style (leftmost placement, unchanged base first): chr2-205776285-C-CGGT. GRCh37 (hg19) VCF-style: chr2-206641009-C-CGGT.
Other names: c.2482_2484dup, p.Val828_Pro829insVal (NM_018534.4); c.2467_2469dup, p.Val823_Pro824insVal (NM_201267.2); c.2440+9469_2440+9471dup (NM_201266.2); c.2425+9484_2425+9486dup (NM_201279.2).
Identifiers: ClinVar variation 4996511 (VCV004996511.1).
Genomic context (GRCh38, chr2:205,776,285, plus strand): 5'-TCTTCTGTGTCTCTCCACCAGGGGGCACCCTCCTGCCAGGGACCGAGCCCACAGTGGACA[C>CGGT]GGTGCCCATGCAGCCCATCCCAGCCTACTGGTATTACGTAATGGCCGCCGGGGGCGCCGT-3'